The following is an entry in ClinVar:

NM_003924.4(PHOX2B):c.*278T>A

Gene: PHOX2B (paired like homeobox 2B; minus strand). Cytogenetic location: 4p13.
Variant type: single nucleotide variant.
Coding change: c.*278T>A on transcript NM_003924.4 (MANE Select); 278 bases downstream of the stop codon, T replaced by A.
Molecular consequence: 3 prime UTR variant.
Genome position (GRCh38, 1-based): chr4:41,745,529, A>T on the plus strand (T>A on the coding strand, the complement: PHOX2B is on the minus strand). VCF-style: chr4-41745529-A-T. GRCh37 (hg19) VCF-style: chr4-41747546-A-T.
Identifiers: ClinVar variation 901222 (VCV000901222.4), dbSNP rs73810341, ClinGen allele CA95828155.
Genomic context (GRCh38, chr4:41,745,529, plus strand): 5'-GACACAGCCCCCTGAGAGTGCCCCGCGTCCAGGCCGCGCTGCTCACAACCCCCGATCAGC[A>T]GGCGGAGCCCTGGCCCCGCTGCGAGGCCCCAGGCAGGTGCGAAGCCAGGGAAGTTTGTTT-3'

ClinVar aggregate classification (germline): Benign. Review status: criteria provided, single submitter (1 of 4 stars). 2 submissions from 1 submitter: Benign (2). Last evaluated 2018-01-13.

Conditions:
Congenital central hypoventilation. Also called: Congenital Central Hypoventilation Syndrome. Identifiers: Orphanet 661, Orphanet 99803, MedGen C1275808, MONDO:0800031. Disease mechanism: gain of function.
Neuroblastoma, susceptibility to, 2. Identifiers: Orphanet 635, MedGen C2751682, MONDO:0700041, OMIM 613013.

Allele frequency attached by ClinVar (database versions not stated): gnomAD exomes 0.00041; gnomAD 0.00376 and 0.00395; TOPMed 0.00433; 1000 Genomes Project 0.00479; 1000 Genomes Project 30x 0.00515.
gnomAD v4.1: 676 of 406,394 alleles (0.17%); highest among the groups gnomAD compares: African/African-American, 1.3%; 4 homozygotes.

Submissions (2):

Illumina Laboratory Services, Illumina
Classification: Benign for Neuroblastoma, susceptibility to, 2. Last evaluated: 2018-01-13. Review status: criteria provided, single submitter. Criteria: ICSL Variant Classification Criteria 13 December 2019. Collection method: clinical testing. Allele origin: germline.
Comment: This variant was observed in the ICSL laboratory as part of a predisposition screen in an ostensibly healthy population. It had not been previously curated by ICSL or reported in the Human Gene Mutation Database (HGMD: prior to June 1st, 2018), and was therefore a candidate for classification through an automated scoring system. Utilizing variant allele frequency, disease prevalence and penetrance estimates, and inheritance mode, an automated score was calculated to assess if this variant is too frequent to cause the disease. Based on the score and internal cut-off values, a variant classified as benign is not then subjected to further curation. The score for this variant resulted in a classification of benign for this disease.

Illumina Laboratory Services, Illumina
Classification: Benign for Central hypoventilation syndrome, congenital, 1, with or without Hirschsprung disease. Last evaluated: 2018-01-13. Review status: criteria provided, single submitter. Criteria: ICSL Variant Classification Criteria 13 December 2019. Collection method: clinical testing. Allele origin: germline.
Comment: the same text as in the submission from Illumina Laboratory Services, Illumina above.